The following is an entry in ClinVar:

NM_001042492.3(NF1):c.517del (p.Asp173fs)

Gene: NF1 (neurofibromin 1; plus strand). Cytogenetic location: 17q11.2.
Variant type: Deletion.
Coding change: c.517del on transcript NM_001042492.3 (MANE Select); coding-DNA position 517, one base deleted (G; older notation c.517delG).
Protein change: p.Asp173fs; shifts the reading frame from aspartic acid 173.
Molecular consequence: frameshift variant.
Genome position (GRCh38, 1-based): chr17:31,169,928, G deleted. VCF-style (leftmost placement, unchanged base first): chr17-31169927-TG-T. GRCh37 (hg19) VCF-style: chr17-29496945-TG-T.
Other names: c.517delG (NM_000267.3); c.517delG, p.Asp173Metfs (NM_000267.4); c.517del, p.Asp173fs (NM_001128147.3); short protein forms D173fs.
Identifiers: ClinVar variation 825512 (VCV000825512.4), dbSNP rs1597643815, ClinGen allele CA915949738.

ClinVar aggregate classification (germline): Pathogenic (1 of 4 stars; one submission).

Conditions:
Hereditary cancer-predisposing syndrome. Also called: Neoplastic Syndromes, Hereditary; Tumor predisposition; Hereditary neoplastic syndrome; Hereditary Cancer Syndrome. Identifiers: Orphanet 140162, MedGen C0027672, MeSH D009386, MONDO:0015356.
Cardiovascular phenotype. Identifiers: MedGen CN230736.

Submission:

Ambry Genetics
Classification: Pathogenic for Cardiovascular phenotype; Hereditary cancer-predisposing syndrome. Last evaluated: 2018-07-10. Review status: criteria provided, single submitter. Criteria: Ambry Variant Classification Scheme 2023. Collection method: clinical testing. Allele origin: germline.
Comment: The c.517delG pathogenic mutation, located in coding exon 5 of the NF1 gene, results from a deletion of one nucleotide at nucleotide position 517, causing a translational frameshift with a predicted alternate stop codon (p.D173Mfs*5). This alteration is expected to result in loss of function by premature protein truncation or nonsense-mediated mRNA decay. As such, this alteration is interpreted as a disease-causing mutation.